The following is an entry in ClinVar:

NM_018192.4(P3H2):c.293C>A (p.Pro98His)

Genes: P3H2 (prolyl 3-hydroxylase 2; minus strand), LOC129938149 (ATAC-STARR-seq lymphoblastoid silent region 14999; plus strand). Cytogenetic location: 3q28.
Variant type: single nucleotide variant.
Coding change: c.293C>A on transcript NM_018192.4 (MANE Select); coding-DNA position 293, C replaced by A.
Protein change: p.Pro98His; replaces proline 98 with histidine.
Molecular consequence: missense variant. On other transcripts: intron variant (1).
Genome position (GRCh38, 1-based): chr3:190,120,439, G>T on the plus strand (C>A on the coding strand, the complement: P3H2 is on the minus strand). VCF-style: chr3-190120439-G-T. GRCh37 (hg19) VCF-style: chr3-189838228-G-T.
Other names: c.-64+1764C>A (NM_001134418.2); short protein forms P98H.
Identifiers: ClinVar variation 2129309 (VCV002129309.1), dbSNP rs1029131656, ClinGen allele CA90197215.
Genomic context (GRCh38, chr3:190,120,439, plus strand): 5'-CGCGCCCGCCCCAACAAGGAGCGGAAAAGGGGCAGCTCAGCGCCGGGGCCCTCGCCGGGG[G>T]GCGGGGGCGGGAGCGGGTGGCGCGCCGCGCAGTGGCGGGCACAGCGCGTGCGGATTTCCC-3'
Protein context (NP_060662.2, residues 88-108): CAARHPLPPP[Pro98His]PGEGPGAELP

ClinVar aggregate classification (germline): Uncertain significance (1 of 4 stars; one submission).

Allele frequency attached by ClinVar (database versions not stated): TOPMed below 0.00001; gnomAD 0.00001.

Submission:

Labcorp Genetics (formerly Invitae), Labcorp
Classification: Uncertain significance. Last evaluated: 2022-05-12. Review status: criteria provided, single submitter. Criteria: Invitae Variant Classification Sherloc (09022015). Collection method: clinical testing. Allele origin: germline.
Comment: This sequence change replaces proline, which is neutral and non-polar, with histidine, which is basic and polar, at codon 98 of the P3H2 protein (p.Pro98His). This variant is not present in population databases (gnomAD no frequency). This variant has not been reported in the literature in individuals affected with P3H2-related conditions. Algorithms developed to predict the effect of missense changes on protein structure and function are either unavailable or do not agree on the potential impact of this missense change (SIFT: "Deleterious"; PolyPhen-2: "Benign"; Align-GVGD: "Class C0"). In summary, the available evidence is currently insufficient to determine the role of this variant in disease. Therefore, it has been classified as a Variant of Uncertain Significance.